The following is an entry in ClinVar:

ClinVar aggregate classification (germline): Uncertain significance (1 of 4 stars; one submission).

Allele frequency attached by ClinVar (database versions not stated): gnomAD exomes below 0.00001; TOPMed 0.00001.
gnomAD v4.1: 5 of 1,614,166 alleles (0.00031%); highest among the groups gnomAD compares: South Asian, 0.0011%; no homozygotes.

Submission:

Labcorp Genetics (formerly Invitae), Labcorp
Classification: Uncertain significance. Last evaluated: 2023-02-14. Review status: criteria provided, single submitter. Criteria: Invitae Variant Classification Sherloc (09022015). Collection method: clinical testing. Allele origin: germline.
Comment: This sequence change replaces arginine, which is basic and polar, with glutamine, which is neutral and polar, at codon 423 of the KIF20A protein (p.Arg423Gln). This variant is not present in population databases (gnomAD no frequency). This variant has not been reported in the literature in individuals affected with KIF20A-related conditions. Algorithms developed to predict the effect of missense changes on protein structure and function (SIFT, PolyPhen-2, Align-GVGD) all suggest that this variant is likely to be disruptive. In summary, the available evidence is currently insufficient to determine the role of this variant in disease. Therefore, it has been classified as a Variant of Uncertain Significance.

NM_005733.3(KIF20A):c.1268G>A (p.Arg423Gln)

Gene: KIF20A (kinesin family member 20A; plus strand). Cytogenetic location: 5q31.2.
Variant type: single nucleotide variant.
Coding change: c.1268G>A on transcript NM_005733.3 (MANE Select); coding-DNA position 1268, G replaced by A.
Protein change: p.Arg423Gln; replaces arginine 423 with glutamine.
Molecular consequence: missense variant.
Genome position (GRCh38, 1-based): chr5:138,184,021, G>A. VCF-style: chr5-138184021-G-A. GRCh37 (hg19) VCF-style: chr5-137519710-G-A.
Other names: short protein forms R423Q.
Identifiers: ClinVar variation 2885142 (VCV002885142.3), dbSNP rs1452311948, ClinGen allele CA361115522.